The following is an entry in ClinVar:

NM_001206927.2(DNAH8):c.10942A>G (p.Met3648Val)

Genes: DNAH8 (dynein axonemal heavy chain 8; plus strand), DNAH8-AS1 (DNAH8 antisense RNA 1; minus strand). Cytogenetic location: 6p21.2.
Variant type: single nucleotide variant.
Coding change: c.10942A>G on transcript NM_001206927.2 (MANE Select); coding-DNA position 10942, A replaced by G.
Protein change: p.Met3648Val; replaces methionine 3648 with valine.
Molecular consequence: missense variant.
Genome position (GRCh38, 1-based): chr6:38,924,142, A>G. VCF-style: chr6-38924142-A-G. GRCh37 (hg19) VCF-style: chr6-38891918-A-G.
Other names: c.10291A>G, p.Met3431Val (NM_001371.4); c.10942A>G (NM_001206927.1); short protein forms M3431V, M3648V.
Identifiers: ClinVar variation 2158366 (VCV002158366.3), dbSNP rs754232500, ClinGen allele CA3790866.

ClinVar aggregate classification (germline): Uncertain significance. Review status: criteria provided, multiple submitters, no conflicts (2 of 4 stars). 2 submissions from 2 submitters: Uncertain significance (2). Last evaluated 2025-08-05.

Conditions:
Primary ciliary dyskinesia. Also called: Ciliary dyskinesia. Identifiers: Orphanet 244, MedGen C0008780, MONDO:0016575, HP:0012265.

Allele frequency attached by ClinVar (database versions not stated): ExAC 0.00001; gnomAD 0.00003; gnomAD exomes 0.00006.
gnomAD v4.1: 93 of 1,613,750 alleles (0.0058%); highest among the groups gnomAD compares: Non-Finnish European, 0.0075%; no homozygotes.

Submissions (2):

Ambry Genetics
Classification: Uncertain significance. Last evaluated: 2025-08-05. Review status: criteria provided, single submitter. Criteria: Ambry Variant Classification Scheme 2023. Collection method: clinical testing. Allele origin: germline.

Labcorp Genetics (formerly Invitae), Labcorp
Classification: Uncertain significance for Primary ciliary dyskinesia. Last evaluated: 2022-02-09. Review status: criteria provided, single submitter. Criteria: Invitae Variant Classification Sherloc (09022015). Collection method: clinical testing. Allele origin: germline.
Comment: This sequence change replaces methionine, which is neutral and non-polar, with valine, which is neutral and non-polar, at codon 3648 of the DNAH8 protein (p.Met3648Val). In summary, the available evidence is currently insufficient to determine the role of this variant in disease. Therefore, it has been classified as a Variant of Uncertain Significance. Algorithms developed to predict the effect of sequence changes on RNA splicing suggest that this variant may create or strengthen a splice site. Algorithms developed to predict the effect of missense changes on protein structure and function are either unavailable or do not agree on the potential impact of this missense change (SIFT: "Tolerated"; PolyPhen-2: "Not Available"; Align-GVGD: "Class C0"). This variant has not been reported in the literature in individuals affected with DNAH8-related conditions. This variant is present in population databases (rs754232500, gnomAD 0.005%).